The following is an entry in ClinVar:

ClinVar aggregate classification (germline): Uncertain significance (1 of 4 stars; one submission).

Conditions:
Hereditary cancer-predisposing syndrome. Also called: Hereditary Cancer Syndrome; Hereditary neoplastic syndrome; Neoplastic Syndromes, Hereditary; Tumor predisposition. Identifiers: Orphanet 140162, MedGen C0027672, MeSH D009386, MONDO:0015356.

Submission:

Ambry Genetics
Classification: Uncertain significance for Hereditary cancer-predisposing syndrome. Last evaluated: 2022-05-23. Review status: criteria provided, single submitter. Criteria: Ambry Variant Classification Scheme 2023. Collection method: clinical testing. Allele origin: germline.
Comment: The p.S200P variant (also known as c.598T>C), located in coding exon 3 of the MSH6 gene, results from a T to C substitution at nucleotide position 598. The serine at codon 200 is replaced by proline, an amino acid with similar properties. This amino acid position is highly conserved in available vertebrate species. In addition, the in silico prediction for this alteration is inconclusive. Since supporting evidence is limited at this time, the clinical significance of this alteration remains unclear.

NM_000179.3(MSH6):c.598T>C (p.Ser200Pro)

Gene: MSH6 (mutS homolog 6; plus strand). Cytogenetic location: 2p16.3.
Variant type: single nucleotide variant.
Coding change: c.598T>C on transcript NM_000179.3 (MANE Select); coding-DNA position 598, T replaced by C.
Protein change: p.Ser200Pro; replaces serine 200 with proline.
Molecular consequence: missense variant. On other transcripts: 5 prime UTR variant (1), intron variant (2).
Genome position (GRCh38, 1-based): chr2:47,796,034, T>C. VCF-style: chr2-47796034-T-C. GRCh37 (hg19) VCF-style: chr2-48023173-T-C.
Other names: c.-305T>C (NM_001281494.2); c.694T>C, p.Ser232Pro (NM_001406795.1, NM_001406802.1); c.598T>C, p.Ser200Pro (NM_001406796.1, NM_001406798.1, NM_001406800.1 and 5 more transcripts); c.301T>C, p.Ser101Pro (NM_001406797.1, NM_001406801.1, NM_001406805.1 and 10 more transcripts); c.73T>C, p.Ser25Pro (NM_001406799.1, NM_001406806.1, NM_001406807.1); c.520T>C, p.Ser174Pro (NM_001406804.1); c.604T>C, p.Ser202Pro (NM_001406813.1); c.-397T>C (NM_001406814.1); and 3 more; short protein forms S200P, S202P, S25P, S144P, S174P, S101P, S232P.
Identifiers: ClinVar variation 1750903 (VCV001750903.2), dbSNP rs2104239331, ClinGen allele CA346738850.